The following is an entry in ClinVar:

ClinVar aggregate classification (germline): Pathogenic (1 of 4 stars; one submission).

Conditions:
Legius syndrome. Identifiers: Orphanet 137605, MedGen C1969623, MONDO:0012669, OMIM 611431. Disease mechanism: loss of function.

Submission:

Labcorp Genetics (formerly Invitae), Labcorp
Classification: Pathogenic for Legius syndrome. Last evaluated: 2025-04-24. Review status: criteria provided, single submitter. Criteria: Invitae Variant Classification Sherloc (09022015). Collection method: clinical testing. Allele origin: germline.
Comment: This sequence change creates a premature translational stop signal (p.Leu302Phefs*9) in the SPRED1 gene. While this is not anticipated to result in nonsense mediated decay, it is expected to disrupt the last 143 amino acid(s) of the SPRED1 protein. This variant is not present in population databases (gnomAD no frequency). This variant has not been reported in the literature in individuals affected with SPRED1-related conditions. ClinVar contains an entry for this variant (Variation ID: 636493). This variant disrupts a region of the SPRED1 protein in which other variant(s) (p.Gly385Ilefs*20, p.Arg349Glyfs*11) have been determined to be pathogenic (PMID: 17704776, 21089071, 21649642). This suggests that this is a clinically significant region of the protein, and that variants that disrupt it are likely to be disease-causing. For these reasons, this variant has been classified as Pathogenic.

Literature cited by the submitters: PubMed 17704776; PubMed 21089071; PubMed 21649642.

NM_152594.3(SPRED1):c.906_910del (p.Leu302fs)

Gene: SPRED1 (sprouty related EVH1 domain containing 1; plus strand). Cytogenetic location: 15q14.
Variant type: Microsatellite.
Coding change: c.906_910del on transcript NM_152594.3 (MANE Select); coding-DNA positions 906 to 910, 5 bases deleted (AAGTT; older notation c.906_910delAAGTT).
Protein change: p.Leu302fs; shifts the reading frame from leucine 302.
Molecular consequence: frameshift variant.
Genome position (GRCh38, 1-based): chr15:38,351,235-38,351,239, AAGTT deleted; deleting any 5 consecutive bases within chr15:38,351,229-38,351,239 gives the same sequence; the c. name uses the placement nearest the transcript's 3' end. VCF-style (leftmost placement, unchanged base first): chr15-38351228-CTAAGT-C. GRCh37 (hg19) VCF-style: chr15-38643429-CTAAGT-C.
Other names: short protein forms L302fs.
Identifiers: ClinVar variation 636493 (VCV000636493.11), dbSNP rs1595763659, ClinGen allele CA915946529.
Genomic context (GRCh38, chr15:38,351,228, plus strand): 5'-TTCAGTTTTCTAAACCAGACAGTAAAAAATCAGACTATCTGTACTCTTGTGGGGATGAGA[CTAAGT>C]TAAGTTCACCCAAAGACTCTGTGGTATTTAAGACGCAGCCTTCCTCATTAAAAATTAAGA-3'